The following is an entry in ClinVar:

NM_007215.4(POLG2):c.1340C>G (p.Thr447Ser)

Genes: MILR1 (mast cell immunoglobulin like receptor 1; plus strand), POLG2 (DNA polymerase gamma 2, accessory subunit; minus strand). Cytogenetic location: 17q23.3.
Variant type: single nucleotide variant.
Coding change: c.1340C>G on transcript NM_007215.4 (MANE Select); coding-DNA position 1340, C replaced by G.
Protein change: p.Thr447Ser; replaces threonine 447 with serine.
Molecular consequence: missense variant.
Genome position (GRCh38, 1-based): chr17:64,477,941, G>C on the plus strand (C>G on the coding strand, the complement: POLG2 is on the minus strand). VCF-style: chr17-64477941-G-C. GRCh37 (hg19) VCF-style: chr17-62474058-G-C.
Other names: c.1340C>G (NM_007215.3); short protein forms T447S.
Identifiers: ClinVar variation 2190416 (VCV002190416.5), dbSNP rs781830806, ClinGen allele CA8712755.

ClinVar aggregate classification (germline): Uncertain significance. Review status: criteria provided, multiple submitters, no conflicts (2 of 4 stars). 2 submissions from 2 submitters: Uncertain significance (2). Last evaluated 2026-01-09.

Allele frequency attached by ClinVar (database versions not stated): gnomAD exomes 0.00001; TOPMed 0.00001; ExAC 0.00002.
gnomAD v4.1: 3 of 1,613,918 alleles (0.00019%); highest among the groups gnomAD compares: Admixed American, 0.005%; no homozygotes.

Submissions (2):

Labcorp Genetics (formerly Invitae), Labcorp
Classification: Uncertain significance. Last evaluated: 2026-01-09. Review status: criteria provided, single submitter. Criteria: Invitae Variant Classification Sherloc (09022015). Collection method: clinical testing. Allele origin: germline.
Comment: This sequence change replaces threonine, which is neutral and polar, with serine, which is neutral and polar, at codon 447 of the POLG2 protein (p.Thr447Ser). This variant is present in population databases (rs781830806, gnomAD 0.006%). This variant has not been reported in the literature in individuals affected with POLG2-related conditions. ClinVar contains an entry for this variant (Variation ID: 2190416). An algorithm developed to predict the effect of missense changes on protein structure and function (PolyPhen-2) suggests that this variant is likely to be disruptive. Algorithms developed to predict the effect of sequence changes on RNA splicing suggest that this variant may disrupt the consensus splice site. In summary, the available evidence is currently insufficient to determine the role of this variant in disease. Therefore, it has been classified as a Variant of Uncertain Significance.

Ambry Genetics
Classification: Uncertain significance. Last evaluated: 2025-06-10. Review status: criteria provided, single submitter. Criteria: Ambry Variant Classification Scheme 2023. Collection method: clinical testing. Allele origin: germline.